The following is an entry in ClinVar:

NM_005219.5(DIAPH1):c.3661+8A>G

Gene: DIAPH1 (diaphanous related formin 1; minus strand). Cytogenetic location: 5q31.3.
Variant type: single nucleotide variant.
Coding change: c.3661+8A>G on transcript NM_005219.5 (MANE Select); 8 bases into the intron after coding-DNA position 3661, A replaced by G.
Molecular consequence: intron variant.
Genome position (GRCh38, 1-based): chr5:141,524,135, T>C on the plus strand (A>G on the coding strand, the complement: DIAPH1 is on the minus strand). VCF-style: chr5-141524135-T-C. GRCh37 (hg19) VCF-style: chr5-140903702-T-C.
Other names: c.3634+8A>G (NM_001079812.3); c.3661+8A>G (NM_001314007.2, NM_005219.4).
Identifiers: ClinVar variation 1123469 (VCV001123469.10), dbSNP rs757441986, ClinGen allele CA3478729.

ClinVar aggregate classification (germline): Likely benign. Review status: criteria provided, multiple submitters, no conflicts (2 of 4 stars). 2 submissions from 2 submitters: Likely benign (2). Last evaluated 2025-10-29.

Conditions:
DIAPH1-related disorder. Also called: DIAPH1-related condition.
Autosomal dominant nonsyndromic hearing loss 1. Also called: KONIGSMARK SYNDROME; DEAFNESS, AUTOSOMAL DOMINANT 1, WITH OR WITHOUT THROMBOCYTOPENIA. Identifiers: Orphanet 90635, MedGen C1852282, MONDO:0007424, OMIM 124900.
Progressive microcephaly-seizures-cortical blindness-developmental delay syndrome. Also called: Seizures, cortical blindness, and microcephaly syndrome. Identifiers: Orphanet 477814, MedGen C5567650, MONDO:0014714, OMIM 616632.

Allele frequency attached by ClinVar (database versions not stated): gnomAD 0.00001; gnomAD exomes 0.00001 and 0.00008; TOPMed 0.00003; ExAC 0.00011.
gnomAD v4.1: 18 of 1,613,778 alleles (0.0011%); highest among the groups gnomAD compares: East Asian, 0.04%; no homozygotes.

Submissions (2):

PreventionGenetics, part of Exact Sciences
Classification: Likely benign for DIAPH1-related condition. Last evaluated: 2025-10-29. Review status: criteria provided, single submitter. Criteria: ACMG Guidelines, 2015. Collection method: clinical testing. Allele origin: germline.
Comment: This variant is classified as likely benign based on ACMG/AMP sequence variant interpretation guidelines (Richards et al. 2015 PMID: 25741868, with internal and published modifications).

Labcorp Genetics (formerly Invitae), Labcorp
Classification: Likely benign for Progressive microcephaly-seizures-cortical blindness-developmental delay syndrome; Autosomal dominant nonsyndromic hearing loss 1. Last evaluated: 2025-07-23. Review status: criteria provided, single submitter. Criteria: Invitae Variant Classification Sherloc (09022015). Collection method: clinical testing. Allele origin: germline.